The following is an entry in ClinVar:

NM_001256545.2(MEGF10):c.116G>C (p.Ser39Thr)

Gene: MEGF10 (multiple EGF like domains 10; plus strand). Cytogenetic location: 5q23.2.
Variant type: single nucleotide variant.
Coding change: c.116G>C on transcript NM_001256545.2 (MANE Select); coding-DNA position 116, G replaced by C.
Protein change: p.Ser39Thr; replaces serine 39 with threonine.
Molecular consequence: missense variant.
Genome position (GRCh38, 1-based): chr5:127,331,424, G>C. VCF-style: chr5-127331424-G-C. GRCh37 (hg19) VCF-style: chr5-126667116-G-C.
Other names: c.116G>C, p.Ser39Thr (NM_001308119.2, NM_001308121.2, NM_032446.3); short protein forms S39T.
Identifiers: ClinVar variation 579779 (VCV000579779.9), dbSNP rs1561575721, ClinGen allele CA360821003.

ClinVar aggregate classification (germline): Uncertain significance (1 of 4 stars; one submission).

Conditions:
MEGF10-related myopathy (CMYO10A). Also called: Congenital myopathy 10A, severe variant. Identifiers: Orphanet 439212, MedGen C3280679, MONDO:0013731, OMIM 614399.

Allele frequency attached by ClinVar (database versions not stated): gnomAD exomes below 0.00001.
gnomAD v4.1: 1 of 1,588,302 alleles (0.000063%); highest among the groups gnomAD compares: Admixed American, 0.0017%; no homozygotes.

Submission:

Labcorp Genetics (formerly Invitae), Labcorp
Classification: Uncertain significance for MEGF10-related myopathy. Last evaluated: 2017-07-08. Review status: criteria provided, single submitter. Criteria: Invitae Variant Classification Sherloc (09022015). Collection method: clinical testing. Allele origin: germline.
Comment: In summary, the available evidence is currently insufficient to determine the role of this variant in disease. Therefore, it has been classified as a Variant of Uncertain Significance. Algorithms developed to predict the effect of sequence changes on RNA splicing suggest that this variant may disrupt the consensus splice site, but this prediction has not been confirmed by published transcriptional studies. Algorithms developed to predict the effect of missense changes on protein structure and function do not agree on the potential impact of this missense change (SIFT: "Deleterious"; PolyPhen-2: "Benign"; Align-GVGD: "Class C0"). This variant has not been reported in the literature in individuals with MEGF10-related disease. This variant is not present in population databases (ExAC no frequency). This sequence change replaces serine with threonine at codon 39 of the MEGF10 protein (p.Ser39Thr). The serine residue is highly conserved and there is a small physicochemical difference between serine and threonine. This variant also falls at the last nucleotide of exon 3 of the MEGF10 coding sequence, which is part of the consensus splice site for this exon. Nucleotide substitutions within the consensus splice site are relatively common causes of aberrant splicing (PMID: 17576681, 9536098).

Literature cited by the submitters: PubMed 17576681; PubMed 9536098.